The following is an entry in ClinVar:

NC_000016.9:g.(?_70286614)_(70669268_?)dup

Genes: SF3B3 (splicing factor 3b subunit 3; plus strand), SNORD111 (small nucleolar RNA, C/D box 111; plus strand), SNORD111B (small nucleolar RNA, C/D box 111B; plus strand), ST3GAL2 (ST3 beta-galactoside alpha-2,3-sialyltransferase 2; minus strand), IL34 (interleukin 34; plus strand) and 24 more. Cytogenetic location: 16q22.1.
Variant type: Duplication.
Identifiers: ClinVar variation 656813 (VCV000656813.2).

ClinVar aggregate classification (germline): Uncertain significance (1 of 4 stars; one submission).

Conditions:
Charcot-Marie-Tooth disease type 2. Also called: Charcot-Marie-Tooth type 2. Identifiers: Orphanet 64746, MedGen C0270914, MONDO:0018993.

Submission:

Labcorp Genetics (formerly Invitae), Labcorp
Classification: Uncertain significance for Charcot-Marie-Tooth disease type 2. Last evaluated: 2018-09-11. Review status: criteria provided, single submitter. Criteria: Invitae Variant Classification Sherloc (09022015). Collection method: clinical testing. Allele origin: germline.
Comment: This variant results in a copy number gain of the genomic region encompassing the full coding sequence of the AARS gene. The boundaries of this event are unknown as they extend beyond the assayed region for this gene and therefore may encompass additional genes. As the precise location of this event is unknown, it may be in tandem or it may be located elsewhere in the genome. This variant has not been reported in the literature in individuals with AARS-related disease. Experimental studies are not available for this variant, and the functional significance a copy number gain of this gene is currently unknown. In summary, the available evidence is currently insufficient to determine the role of this variant in disease. Therefore, it has been classified as a Variant of Uncertain Significance.